The following is an entry in ClinVar:

NM_000075.4(CDK4):c.134G>A (p.Gly45Asp)

Genes: CDK4 (cyclin dependent kinase 4; minus strand), LOC130008148 (ATAC-STARR-seq lymphoblastoid silent region 4588; plus strand). Cytogenetic location: 12q14.1.
Variant type: single nucleotide variant.
Coding change: c.134G>A on transcript NM_000075.4 (MANE Select); coding-DNA position 134, G replaced by A.
Protein change: p.Gly45Asp; replaces glycine 45 with aspartic acid.
Molecular consequence: missense variant.
Genome position (GRCh38, 1-based): chr12:57,751,584, C>T on the plus strand (G>A on the coding strand, the complement: CDK4 is on the minus strand). VCF-style: chr12-57751584-C-T. GRCh37 (hg19) VCF-style: chr12-58145367-C-T.
Other names: short protein forms G45D.
Identifiers: ClinVar variation 1510787 (VCV001510787.6), dbSNP rs1595111074, ClinGen allele CA385548743.

ClinVar aggregate classification (germline): Uncertain significance (1 of 4 stars; one submission).

Conditions:
Familial melanoma. Also called: Hereditary melanoma; Hereditary cutaneous melanoma. Identifiers: Orphanet 618, MedGen C1512419, MONDO:0018961.

Allele frequency attached by ClinVar (database versions not stated): gnomAD exomes below 0.00001.
gnomAD v4.1: 2 of 1,614,164 alleles (0.00012%); highest among the groups gnomAD compares: East Asian, 0.0022%; no homozygotes.

Submission:

Labcorp Genetics (formerly Invitae), Labcorp
Classification: Uncertain significance for Familial melanoma. Last evaluated: 2023-11-28. Review status: criteria provided, single submitter. Criteria: Invitae Variant Classification Sherloc (09022015). Collection method: clinical testing. Allele origin: germline.
Comment: This sequence change replaces glycine, which is neutral and non-polar, with aspartic acid, which is acidic and polar, at codon 45 of the CDK4 protein (p.Gly45Asp). This variant is not present in population databases (gnomAD no frequency). This variant has not been reported in the literature in individuals affected with CDK4-related conditions. ClinVar contains an entry for this variant (Variation ID: 1510787). An algorithm developed to predict the effect of missense changes on protein structure and function (PolyPhen-2) suggests that this variant is likely to be tolerated. In summary, the available evidence is currently insufficient to determine the role of this variant in disease. Therefore, it has been classified as a Variant of Uncertain Significance.